The following is an entry in ClinVar:

NM_147127.5(EVC2):c.2758C>T (p.Leu920Phe)

Gene: EVC2 (EvC ciliary complex subunit 2; minus strand). Cytogenetic location: 4p16.2.
Variant type: single nucleotide variant.
Coding change: c.2758C>T on transcript NM_147127.5 (MANE Select); coding-DNA position 2758, C replaced by T.
Protein change: p.Leu920Phe; replaces leucine 920 with phenylalanine.
Molecular consequence: missense variant.
Genome position (GRCh38, 1-based): chr4:5,615,493, G>A on the plus strand (C>T on the coding strand, the complement: EVC2 is on the minus strand). VCF-style: chr4-5615493-G-A. GRCh37 (hg19) VCF-style: chr4-5617220-G-A.
Other names: c.2518C>T, p.Leu840Phe (NM_001166136.2); c.2758C>T (NM_147127.4); short protein forms L920F, L840F.
Identifiers: ClinVar variation 281347 (VCV000281347.35), dbSNP rs762404021, ClinGen allele CA2834591.
Genomic context (GRCh38, chr4:5,615,493, plus strand): 5'-GGTCTTCAGAGGCCTGTTCCTCACAGAGGTGAATTTTGTCTTCGATGCACTTCTTCAGAA[G>A]CTCTCCCTTGCTTTTACTCTTGGACCGTGACTTTCTCACCTTGGACTGTTGCTGGAGAGG-3'
Protein context (NP_667338.3, residues 910-930): SRSKSKSKGE[Leu920Phe]LKKCIEDKIH

ClinVar aggregate classification (germline): Conflicting classifications of pathogenicity. Review status: criteria provided, conflicting classifications (1 of 4 stars). 5 submissions from 5 submitters: Uncertain significance (4); Likely benign (1). Last evaluated 2025-07-01.

Conditions:
Inborn genetic diseases. Identifiers: MedGen C0950123, MeSH D030342.
Curry-Hall syndrome (WAD). Also called: WEYERS ACRODENTAL DYSOSTOSIS. Identifiers: Orphanet 952, MedGen C0457013, MONDO:0008673, OMIM 193530.
Ellis-van Creveld syndrome (EVC). Also called: Chondroectodermal dysplasia; MESOECTODERMAL DYSPLASIA. Identifiers: Orphanet 289, MedGen C0013903, MONDO:0009162, OMIM 225500.

Allele frequency attached by ClinVar (database versions not stated): ExAC 0.00001; gnomAD 0.00001; TOPMed 0.00001.
gnomAD v4.1: 19 of 1,614,116 alleles (0.0012%); highest among the groups gnomAD compares: Middle Eastern, 0.033%; no homozygotes.

Submissions (5):

Ambry Genetics
Classification: Uncertain significance for Inborn genetic diseases. Last evaluated: 2025-07-01. Review status: criteria provided, single submitter. Criteria: Ambry Variant Classification Scheme 2023. Collection method: clinical testing. Allele origin: germline.

Blueprint Genetics
Classification: Uncertain significance. Last evaluated: 2024-09-13. Review status: criteria provided, single submitter. Criteria: ACMG Guidelines, 2015. Collection method: clinical testing. Allele origin: germline.

Labcorp Genetics (formerly Invitae), Labcorp
Classification: Uncertain significance for Curry-Hall syndrome; Ellis-van Creveld syndrome. Last evaluated: 2024-08-12. Review status: criteria provided, single submitter. Criteria: Invitae Variant Classification Sherloc (09022015). Collection method: clinical testing. Allele origin: germline.
Comment: This sequence change replaces leucine, which is neutral and non-polar, with phenylalanine, which is neutral and non-polar, at codon 920 of the EVC2 protein (p.Leu920Phe). This variant is present in population databases (rs762404021, gnomAD 0.003%). This variant has not been reported in the literature in individuals affected with EVC2-related conditions. ClinVar contains an entry for this variant (Variation ID: 281347). An algorithm developed to predict the effect of missense changes on protein structure and function (PolyPhen-2) suggests that this variant is likely to be disruptive. In summary, the available evidence is currently insufficient to determine the role of this variant in disease. Therefore, it has been classified as a Variant of Uncertain Significance.

CeGaT Center for Human Genetics Tuebingen
Classification: Likely benign. Last evaluated: 2023-06-01. Review status: criteria provided, single submitter. Criteria: CeGaT Center For Human Genetics Tuebingen Variant Classification Criteria Version 2. Collection method: clinical testing. Allele origin: germline. Affected: yes. Observed: 1 variant allele.
Comment: EVC2: BP4

Eurofins Ntd Llc (ga)
Classification: Uncertain significance. Last evaluated: 2016-05-20. Review status: criteria provided, single submitter. Criteria: EGL Classification Definitions 2015. Collection method: clinical testing. Allele origin: germline. Observed: 2 variant alleles, 2 heterozygotes.